The following is an entry in ClinVar:

ClinVar aggregate classification (germline): Benign/Likely benign. Review status: criteria provided, multiple submitters, no conflicts (2 of 4 stars). 5 submissions from 5 submitters: Benign (1); Likely benign (2). 2 of the submissions do not count toward it. Last evaluated 2025-02-16.

Submissions (5):

Laboratory of Genetics, Children's Clinical University Hospital Latvia
Classification: Likely benign. Last evaluated: 2025-02-16. Review status: criteria provided, single submitter. Criteria: ACMG Guidelines, 2015. Collection method: clinical testing. Allele origin: germline. Affected: yes.

Mayo Clinic Laboratories, Mayo Clinic
Classification: Benign. Last evaluated: 2023-12-27. Review status: criteria provided, single submitter. Criteria: ACMG Guidelines, 2015. Collection method: clinical testing. Allele origin: germline. Observed: 10 variant alleles.
Comment: BA1

Labcorp Genetics (formerly Invitae), Labcorp
Classification: Likely benign. Last evaluated: 2019-12-18. Review status: criteria provided, single submitter. Criteria: Invitae Variant Classification Sherloc (09022015). Collection method: clinical testing. Allele origin: germline.

Genome Diagnostics Laboratory, University Medical Center Utrecht
Classification: Benign. Review status: no assertion criteria provided. Collection method: clinical testing. Allele origin: germline. Affected: yes. Study: VKGL Data-share Consensus. Not counted in ClinVar's aggregate classification.

Laboratory of Diagnostic Genome Analysis, Leiden University Medical Center (LUMC)
Classification: Likely benign. Review status: no assertion criteria provided. Collection method: clinical testing. Allele origin: germline. Affected: yes. Study: VKGL Data-share Consensus. Not counted in ClinVar's aggregate classification.

NM_001278064.2(GRM1):c.950+8TC[20]

Gene: GRM1 (glutamate metabotropic receptor 1; plus strand). Cytogenetic location: 6q24.3.
Variant type: Microsatellite.
Coding change: c.950+8TC[20] on transcript NM_001278064.2 (MANE Select); 20 copies in a row of the 2-base unit TC starting at c.950+8; the reference has 19 copies in a row; one copy, 2 bases duplicated.
Molecular consequence: intron variant.
Genome position (GRCh38, 1-based): chr6:146,159,641-146,159,642, TC duplicated; duplicating any 2 consecutive bases within chr6:146,159,605-146,159,642 gives the same sequence; the position shown is the placement nearest the transcript's 3' end. VCF-style (leftmost placement, unchanged base first): chr6-146159604-T-TTC. GRCh37 (hg19) VCF-style: chr6-146480740-T-TTC.
Other names: p.?; c.950+44_950+45dup (NM_001278064.1, NM_001278064.2); c.950+8TC[20] (NM_001278065.2, NM_001278066.1, NM_001278067.1).
Identifiers: ClinVar variation 770930 (VCV000770930.8), dbSNP rs72225459, ClinGen allele CA571215203.
Genomic context (GRCh38, chr6:146,159,604, plus strand): 5'-CCTGAGCGCCATGCGGCGCCTTGGCGTCGTGGGCGAGTTCTCACTCATTGGAAGGTAAGT[T>TTC]TCTCTCTCTCTCTCTCTCTCTCTCTCTCTCTCTCTCTCACACACACACATGCACACACAC-3'